The following is an entry in ClinVar:

ClinVar aggregate classification (germline): Likely pathogenic (1 of 4 stars; one submission).

Conditions:
Sialuria. Also called: SIALURIA, FRENCH TYPE; Sialic Acid Storage Disease. Identifiers: Orphanet 3166, MedGen C0342853, MONDO:0010028, OMIM 269921.
GNE myopathy (NM). Also called: NONAKA DISTAL MYOPATHY; INCLUSION BODY MYOPATHY, HEREDITARY, AUTOSOMAL RECESSIVE; INCLUSION BODY MYOPATHY 2, AUTOSOMAL RECESSIVE; MYOPATHY, DISTAL, WITH OR WITHOUT RIMMED VACUOLES; IBM 2; Inclusion body myopathy autosomal recessive. Identifiers: Orphanet 602, MedGen C1853926, MONDO:0011603, OMIM 605820.

Submission:

Labcorp Genetics (formerly Invitae), Labcorp
Classification: Likely pathogenic for Sialuria; GNE myopathy. Last evaluated: 2024-03-05. Review status: criteria provided, single submitter. Criteria: Invitae Variant Classification Sherloc (09022015). Collection method: clinical testing. Allele origin: germline.
Comment: This sequence change affects an acceptor splice site in intron 6 of the GNE gene. It is expected to disrupt RNA splicing. Variants that disrupt the donor or acceptor splice site typically lead to a loss of protein function (PMID: 16199547), and loss-of-function variants in GNE are known to be pathogenic (PMID: 24027297). This variant is not present in population databases (gnomAD no frequency). This variant has not been reported in the literature in individuals affected with GNE-related conditions. Algorithms developed to predict the effect of sequence changes on RNA splicing suggest that this variant may disrupt the consensus splice site. In summary, the currently available evidence indicates that the variant is pathogenic, but additional data are needed to prove that conclusively. Therefore, this variant has been classified as Likely Pathogenic.

Literature cited by the submitters: PubMed 16199547; PubMed 24027297.

NM_005476.7(GNE):c.1071-1G>A

Gene: GNE (glucosamine (UDP-N-acetyl)-2-epimerase/N-acetylmannosamine kinase; minus strand). Cytogenetic location: 9p13.3.
Variant type: single nucleotide variant.
Coding change: c.1071-1G>A on transcript NM_005476.7 (MANE Select); the canonical splice acceptor site of the intron before coding-DNA position 1071, G replaced by A.
Molecular consequence: splice acceptor variant.
Genome position (GRCh38, 1-based): chr9:36,227,459, C>T on the plus strand (G>A on the coding strand, the complement: GNE is on the minus strand). VCF-style: chr9-36227459-C-T. GRCh37 (hg19) VCF-style: chr9-36227456-C-T.
Other names: c.894-1G>A (NM_001190388.2, NM_001374798.1); c.1164-1G>A (NM_001128227.3); c.741-1G>A (NM_001190384.3); c.918-1G>A (NM_001374797.1); c.1071-1G>A (NM_001190383.3).
Identifiers: ClinVar variation 3755123 (VCV003755123.2).